The following is an entry in ClinVar:

NM_206937.2(LIG4):c.2537G>A (p.Arg846Gln)

Gene: LIG4 (DNA ligase 4; minus strand). Cytogenetic location: 13q33.3.
Variant type: single nucleotide variant.
Coding change: c.2537G>A on transcript NM_206937.2 (MANE Select); coding-DNA position 2537, G replaced by A.
Protein change: p.Arg846Gln; replaces arginine 846 with glutamine.
Molecular consequence: missense variant.
Genome position (GRCh38, 1-based): chr13:108,208,732, C>T on the plus strand (G>A on the coding strand, the complement: LIG4 is on the minus strand). VCF-style: chr13-108208732-C-T. GRCh37 (hg19) VCF-style: chr13-108861080-C-T.
Other names: c.2537G>A, p.Arg846Gln (NM_001098268.2, NM_001352598.2, NM_001352599.2 and 6 more transcripts); c.2336G>A, p.Arg779Gln (NM_001330595.2); c.2573G>A, p.Arg858Gln (NM_001352604.2); short protein forms R846Q, R858Q, R779Q.
Identifiers: ClinVar variation 1434162 (VCV001434162.8), dbSNP rs974517230, ClinGen allele CA256179039.
Genomic context (GRCh38, chr13:108,208,732, plus strand): 5'-CCAATTATTACATGAGACACTCCCTCAGCTAAACAAGAAACTACTTTTGCTCCATGAAAC[C>T]GAAGCTCCAAGGCTTTAATAGCTAACCTTGTCCCCTCATTTTTGGTACTCAGGTCATTAA-3'
Protein context (NP_996820.1, residues 836-856): TRLAIKALEL[Arg846Gln]FHGAKVVSCL

ClinVar aggregate classification (germline): Uncertain significance. Review status: criteria provided, multiple submitters, no conflicts (2 of 4 stars). 2 submissions from 2 submitters: Uncertain significance (2). Last evaluated 2025-08-20.

Conditions:
Inborn genetic diseases. Identifiers: MedGen C0950123, MeSH D030342.
DNA ligase IV deficiency. Identifiers: Orphanet 99812, MedGen C1847827, MONDO:0011686, OMIM 606593.

Allele frequency attached by ClinVar (database versions not stated): gnomAD 0.00001; TOPMed 0.00001.
gnomAD v4.1: 32 of 1,614,020 alleles (0.002%); highest among the groups gnomAD compares: Non-Finnish European, 0.0023%; no homozygotes.

Submissions (2):

Ambry Genetics
Classification: Uncertain significance for Inborn genetic diseases. Last evaluated: 2025-08-20. Review status: criteria provided, single submitter. Criteria: Ambry Variant Classification Scheme 2023. Collection method: clinical testing. Allele origin: germline.

Labcorp Genetics (formerly Invitae), Labcorp
Classification: Uncertain significance for DNA ligase IV deficiency. Last evaluated: 2023-12-11. Review status: criteria provided, single submitter. Criteria: Invitae Variant Classification Sherloc (09022015). Collection method: clinical testing. Allele origin: germline.
Comment: This sequence change replaces arginine, which is basic and polar, with glutamine, which is neutral and polar, at codon 846 of the LIG4 protein (p.Arg846Gln). This variant is present in population databases (no rsID available, gnomAD 0.003%). This variant has not been reported in the literature in individuals affected with LIG4-related conditions. ClinVar contains an entry for this variant (Variation ID: 1434162). Algorithms developed to predict the effect of missense changes on protein structure and function output the following: SIFT: "Not Available"; PolyPhen-2: "Benign"; Align-GVGD: "Not Available". The glutamine amino acid residue is found in multiple mammalian species, which suggests that this missense change does not adversely affect protein function. In summary, the available evidence is currently insufficient to determine the role of this variant in disease. Therefore, it has been classified as a Variant of Uncertain Significance.